The following is an entry in ClinVar:

NM_206933.4(USH2A):c.13942_13943delinsT (p.Gly4648fs)

Gene: USH2A (usherin; minus strand). Cytogenetic location: 1q41.
Variant type: Indel.
Coding change: c.13942_13943delinsT on transcript NM_206933.4 (MANE Select); coding-DNA positions 13942 to 13943, GG replaced by T.
Protein change: p.Gly4648fs; shifts the reading frame from glycine 4648.
Molecular consequence: frameshift variant.
Genome position (GRCh38, 1-based): chr1:215,671,162-215,671,163, CC replaced by A on the plus strand (GG replaced by T on the coding strand, the reverse complement: USH2A is on the minus strand). VCF-style: chr1-215671162-CC-A. GRCh37 (hg19) VCF-style: chr1-215844504-CC-A.
Other names: short protein forms G4648fs.
Identifiers: ClinVar variation 865849 (VCV000865849.2), dbSNP rs1419913594, ClinGen allele CA916082112.

ClinVar aggregate classification (germline): Pathogenic (1 of 4 stars; one submission).

Conditions:
Monogenic hearing loss.

Submission:

Genetics Laboratory, Great Ormond Street Hospital NHS Foundation Trust, North Thames Genomic Laboratory Hub
Classification: Pathogenic for Monogenic hearing loss. Last evaluated: 2025-09-16. Review status: criteria provided, single submitter. Criteria: ACGS Best Practice Guidelines for Variant Classification in Rare Disease 2024 v1.2. Collection method: clinical testing. Allele origin: germline. Affected: yes.
Comment: PM2_moderate, PVS1_very-strong, PM3_moderate